The following is an entry in ClinVar:

ClinVar aggregate classification (germline): Uncertain significance (1 of 4 stars; one submission).

Submission:

Labcorp Genetics (formerly Invitae), Labcorp
Classification: Uncertain significance. Last evaluated: 2022-07-23. Review status: criteria provided, single submitter. Criteria: Invitae Variant Classification Sherloc (09022015). Collection method: clinical testing. Allele origin: germline.
Comment: This sequence change replaces asparagine, which is neutral and polar, with serine, which is neutral and polar, at codon 3419 of the USH2A protein (p.Asn3419Ser). This variant is not present in population databases (gnomAD no frequency). This variant has not been reported in the literature in individuals affected with USH2A-related conditions. Algorithms developed to predict the effect of missense changes on protein structure and function are either unavailable or do not agree on the potential impact of this missense change (SIFT: "Deleterious"; PolyPhen-2: "Benign"; Align-GVGD: "Class C15"). In summary, the available evidence is currently insufficient to determine the role of this variant in disease. Therefore, it has been classified as a Variant of Uncertain Significance.

NM_206933.4(USH2A):c.10256A>G (p.Asn3419Ser)

Gene: USH2A (usherin; minus strand). Cytogenetic location: 1q41.
Variant type: single nucleotide variant.
Coding change: c.10256A>G on transcript NM_206933.4 (MANE Select); coding-DNA position 10256, A replaced by G.
Protein change: p.Asn3419Ser; replaces asparagine 3419 with serine.
Molecular consequence: missense variant.
Genome position (GRCh38, 1-based): chr1:215,786,801, T>C on the plus strand (A>G on the coding strand, the complement: USH2A is on the minus strand). VCF-style: chr1-215786801-T-C. GRCh37 (hg19) VCF-style: chr1-215960143-T-C.
Other names: short protein forms N3419S.
Identifiers: ClinVar variation 1713541 (VCV001713541.3), dbSNP rs762712386, ClinGen allele CA344840137.